The following is an entry in ClinVar:

ClinVar aggregate classification (germline): Conflicting classifications of pathogenicity. Review status: criteria provided, conflicting classifications (1 of 4 stars). 7 submissions from 7 submitters: Uncertain significance (1); Likely benign (6). Last evaluated 2026-01-17.

Conditions:
Hereditary cancer-predisposing syndrome. Also called: Hereditary neoplastic syndrome; Neoplastic Syndromes, Hereditary; Tumor predisposition; Hereditary Cancer Syndrome. Identifiers: Orphanet 140162, MedGen C0027672, MeSH D009386, MONDO:0015356.
Hereditary breast ovarian cancer syndrome. Also called: Hereditary breast and ovarian cancer syndrome (HBOC); Breast and ovarian cancer; Hereditary breast and ovarian cancer syndrome; Hereditary breast and ovarian cancer; Hereditary breast and/or ovarian cancer syndrome; BRCA1- and BRCA2-Associated Hereditary Breast and Ovarian Cancer. Identifiers: Orphanet 145, MedGen C0677776, MeSH D061325, MONDO:0003582. Disease mechanism: loss of function.
Breast-ovarian cancer, familial, susceptibility to, 2 (BROVCA2). Also called: BRCA2 Hereditary Breast and Ovarian Cancer. Identifiers: Orphanet 145, MedGen C2675520, MONDO:0012933, OMIM 612555. Disease mechanism: loss of function.

Submissions (7):

Women's Health and Genetics/Laboratory Corporation of America, LabCorp
Classification: Likely benign. Last evaluated: 2026-01-17. Review status: criteria provided, single submitter. Criteria: LabCorp Variant Classification Summary - May 2015. Collection method: clinical testing. Allele origin: germline.

Labcorp Genetics (formerly Invitae), Labcorp
Classification: Likely benign for Hereditary breast ovarian cancer syndrome. Last evaluated: 2023-10-08. Review status: criteria provided, single submitter. Criteria: Invitae Variant Classification Sherloc (09022015). Collection method: clinical testing. Allele origin: germline.

All of Us Research Program, National Institutes of Health
Classification: Likely benign for Breast-ovarian cancer, familial, susceptibility to, 2. Last evaluated: 2023-06-28. Review status: criteria provided, single submitter. Criteria: ACMG Guidelines, 2015. Collection method: clinical testing. Allele origin: germline. Inheritance: Autosomal dominant inheritance. Observed: 1 variant allele, 1 heterozygote.
Comment: This study involves interpretation of variants in research participants for the purpose of population health screening. Participant phenotype was not available at the time of variant classification. Additional details can be found in publication PMID: 35346344, PMCID: PMC8962531

Quest Diagnostics Nichols Institute San Juan Capistrano
Classification: Uncertain significance. Last evaluated: 2023-04-24. Review status: criteria provided, single submitter. Criteria: Quest Diagnostics criteria. Collection method: clinical testing. Allele origin: unknown.
Comment: To the best of our knowledge, the variant has not been reported in the published literature. It also has not been reported in large, multi-ethnic general populations. Analysis of this variant using software algorithms for the prediction of the effect of nucleotide changes on splicing yielded predictions that this variant does not affect BRCA2 mRNA splicing . Based on the available information, we are unable to determine the clinical significance of this variant.

Color Diagnostics, LLC DBA Color Health
Classification: Likely benign for Hereditary cancer-predisposing syndrome. Last evaluated: 2019-06-24. Review status: criteria provided, single submitter. Criteria: ACMG Guidelines, 2015. Collection method: clinical testing. Allele origin: germline.

Ambry Genetics
Classification: Likely benign for Hereditary cancer-predisposing syndrome. Last evaluated: 2017-05-31. Review status: criteria provided, single submitter. Criteria: Ambry Variant Classification Scheme 2023. Collection method: clinical testing. Allele origin: germline.

GeneDx
Classification: Likely benign. Last evaluated: 2017-04-21. Review status: criteria provided, single submitter. Criteria: GeneDx Variant Classification (06012015). Collection method: clinical testing. Allele origin: germline. Affected: yes.
Comment: This variant is considered likely benign or benign based on one or more of the following criteria: it is a conservative change, it occurs at a poorly conserved position in the protein, it is predicted to be benign by multiple in silico algorithms, and/or has population frequency not consistent with disease.

NM_000059.4(BRCA2):c.8407C>T (p.Leu2803=)

Gene: BRCA2 (BRCA2 DNA repair associated; plus strand). Cytogenetic location: 13q13.1.
Variant type: single nucleotide variant.
Coding change: c.8407C>T on transcript NM_000059.4 (MANE Select); coding-DNA position 8407, C replaced by T.
Protein change: p.Leu2803=; no amino-acid change (leucine 2803 retained).
Molecular consequence: synonymous variant.
Genome position (GRCh38, 1-based): chr13:32,370,477, C>T. VCF-style: chr13-32370477-C-T. GRCh37 (hg19) VCF-style: chr13-32944614-C-T.
Identifiers: ClinVar variation 483109 (VCV000483109.17), dbSNP rs1555287631, ClinGen allele CA483261212.
Genomic context (GRCh38, chr13:32,370,477, plus strand): 5'-ACTCGGCCTGCTCGCTGGTATACCAAACTTGGATTCTTTCCTGACCCTAGACCTTTTCCT[C>T]TGCCCTTATCATCGCTTTTCAGTGATGGAGGAAATGTTGGTTGTGTTGATGTAATTATTC-3'
Protein context (NP_000050.3, residues 2793-2813): GFFPDPRPFP[Leu2803=]PLSSLFSDGG